The following is an entry in ClinVar:

ClinVar aggregate classification (germline): Likely benign (1 of 4 stars; one submission).

Submission:

CeGaT Center for Human Genetics Tuebingen
Classification: Likely benign. Last evaluated: 2022-08-01. Review status: criteria provided, single submitter. Criteria: CeGaT Center For Human Genetics Tuebingen Variant Classification Criteria Version 2. Collection method: clinical testing. Allele origin: germline. Affected: yes. Observed: 1 variant allele.
Comment: CSH1: BP4, BP7

NM_001317.6(CSH1):c.117T>C (p.Ala39=)

Gene: CSH1 (chorionic somatomammotropin hormone 1; minus strand). Cytogenetic location: 17q23.3.
Variant type: single nucleotide variant.
Coding change: c.117T>C on transcript NM_001317.6 (MANE Select); coding-DNA position 117, T replaced by C.
Protein change: p.Ala39=; no amino-acid change (alanine 39 retained).
Molecular consequence: synonymous variant.
Genome position (GRCh38, 1-based): chr17:63,896,129, A>G on the plus strand (T>C on the coding strand, the complement: CSH1 is on the minus strand). VCF-style: chr17-63896129-A-G. GRCh37 (hg19) VCF-style: chr17-61973489-A-G.
Identifiers: ClinVar variation 2648083 (VCV002648083.24), dbSNP rs2509198674, ClinGen allele CA501221550.